The following is an entry in ClinVar:

NM_198859.4(PRICKLE2):c.2114G>A (p.Arg705His)

Genes: PRICKLE2 (prickle planar cell polarity protein 2; minus strand), PRICKLE2-AS1 (PRICKLE2 antisense RNA 1; plus strand). Cytogenetic location: 3p14.1.
Variant type: single nucleotide variant.
Coding change: c.2114G>A on transcript NM_198859.4 (MANE Select); coding-DNA position 2114, G replaced by A.
Protein change: p.Arg705His; replaces arginine 705 with histidine.
Molecular consequence: missense variant. On other transcripts: non-coding transcript variant (1).
Genome position (GRCh38, 1-based): chr3:64,099,472, C>T on the plus strand (G>A on the coding strand, the complement: PRICKLE2 is on the minus strand). VCF-style: chr3-64099472-C-T. GRCh37 (hg19) VCF-style: chr3-64085148-C-T.
Other names: c.2114G>A, p.Arg705His (NM_001370528.1); short protein forms R705H.
Identifiers: ClinVar variation 1943387 (VCV001943387.5), dbSNP rs760877594, ClinGen allele CA353426758.

ClinVar aggregate classification (germline): Uncertain significance (1 of 4 stars; one submission).

Conditions:
Progressive myoclonic epilepsy type 5. Identifiers: Orphanet 402082, MedGen C5190799.

gnomAD v4.1: 7 of 1,584,304 alleles (0.00044%); highest among the groups gnomAD compares: Non-Finnish European, 0.0006%; no homozygotes.

Submission:

Labcorp Genetics (formerly Invitae), Labcorp
Classification: Uncertain significance for Progressive myoclonic epilepsy type 5. Last evaluated: 2022-07-06. Review status: criteria provided, single submitter. Criteria: Invitae Variant Classification Sherloc (09022015). Collection method: clinical testing. Allele origin: germline.
Comment: Algorithms developed to predict the effect of missense changes on protein structure and function are either unavailable or do not agree on the potential impact of this missense change (SIFT: "Deleterious"; PolyPhen-2: "Benign"; Align-GVGD: "Class C0"). In summary, the available evidence is currently insufficient to determine the role of this variant in disease. Therefore, it has been classified as a Variant of Uncertain Significance. This variant has not been reported in the literature in individuals affected with PRICKLE2-related conditions. This variant is not present in population databases (gnomAD no frequency). This sequence change replaces arginine, which is basic and polar, with histidine, which is basic and polar, at codon 705 of the PRICKLE2 protein (p.Arg705His).